The following is an entry in ClinVar:

NM_000388.4(CASR):c.1667A>G (p.Glu556Gly)

Gene: CASR (calcium sensing receptor; plus strand). Cytogenetic location: 3q21.1.
Variant type: single nucleotide variant.
Coding change: c.1667A>G on transcript NM_000388.4 (MANE Select); coding-DNA position 1667, A replaced by G.
Protein change: p.Glu556Gly; replaces glutamic acid 556 with glycine.
Molecular consequence: missense variant.
Genome position (GRCh38, 1-based): chr3:122,282,171, A>G. VCF-style: chr3-122282171-A-G. GRCh37 (hg19) VCF-style: chr3-122001018-A-G.
Other names: c.1697A>G, p.Glu566Gly (NM_001178065.2); short protein forms E556G, E566G.
Identifiers: ClinVar variation 3231508 (VCV003231508.1), dbSNP rs2473272708, ClinGen allele CA354156232.

ClinVar aggregate classification (germline): Uncertain significance (1 of 4 stars; one submission).

Conditions:
Nephrolithiasis/nephrocalcinosis. Identifiers: MedGen CN580796.

Submission:

Ambry Genetics
Classification: Uncertain significance for Nephrolithiasis/nephrocalcinosis. Last evaluated: 2023-10-10. Review status: criteria provided, single submitter. Criteria: Ambry Variant Classification Scheme 2023. Collection method: clinical testing. Allele origin: germline.
Comment: The p.E556G variant (also known as c.1667A>G), located in coding exon 5 of the CASR gene, results from an A to G substitution at nucleotide position 1667. The glutamic acid at codon 556 is replaced by glycine, an amino acid with similar properties. This amino acid position is conserved. In addition, the in silico prediction for this alteration is inconclusive. Since supporting evidence is limited at this time, the clinical significance of this alteration remains unclear.